The following is an entry in ClinVar:

ClinVar aggregate classification (germline): Benign/Likely benign. Review status: criteria provided, multiple submitters, no conflicts (2 of 4 stars). 8 submissions from 8 submitters: Benign (2); Likely benign (6). Last evaluated 2026-02-04.

Conditions:
Shprintzen-Goldberg syndrome (SGS). Also called: Marfanoid disorder with craniosynostosis type 1; Marfanoid craniosynostosis syndrome; Shprintzen-Goldberg marfanoid syndrome; SHPRINTZEN-GOLDBERG CRANIOSYNOSTOSIS SYNDROME; CRANIOSYNOSTOSIS WITH ARACHNODACTYLY AND ABDOMINAL HERNIAS. Identifiers: Orphanet 2462, MedGen C1321551, MONDO:0008426, OMIM 182212.
Familial thoracic aortic aneurysm and aortic dissection (TAAD). Also called: Thoracic aortic aneurysms and dissections. Identifiers: Orphanet 91387, MedGen C4707243, MONDO:0019625.

Allele frequency attached by ClinVar (database versions not stated): gnomAD exomes 0.00027; ExAC 0.00090; 1000 Genomes Project 0.00160; gnomAD 0.00167; 1000 Genomes Project 30x 0.00172; TOPMed 0.00209.
gnomAD v4.1: 481 of 1,513,468 alleles (0.032%); highest among the groups gnomAD compares: African/African-American, 0.56%; 2 homozygotes.

Submissions (8):

Labcorp Genetics (formerly Invitae), Labcorp
Classification: Likely benign for Shprintzen-Goldberg syndrome. Last evaluated: 2026-02-04. Review status: criteria provided, single submitter. Criteria: Invitae Variant Classification Sherloc (09022015). Collection method: clinical testing. Allele origin: germline.

CeGaT Center for Human Genetics Tuebingen
Classification: Likely benign. Last evaluated: 2025-11-01. Review status: criteria provided, single submitter. Criteria: CeGaT Center For Human Genetics Tuebingen Variant Classification Criteria Version 2. Collection method: clinical testing. Allele origin: germline. Affected: yes. Observed: 1 variant allele.
Comment: SKI: BP4, BP7

Blueprint Genetics
Classification: Likely benign. Last evaluated: 2024-03-19. Review status: criteria provided, single submitter. Criteria: ACMG Guidelines, 2015. Collection method: clinical testing. Allele origin: germline.

Women's Health and Genetics/Laboratory Corporation of America, LabCorp
Classification: Benign. Last evaluated: 2023-07-21. Review status: criteria provided, single submitter. Criteria: LabCorp Variant Classification Summary - May 2015. Collection method: clinical testing. Allele origin: germline.

ARUP Laboratories, Molecular Genetics and Genomics, ARUP Laboratories
Classification: Likely benign for Shprintzen-Goldberg syndrome. Last evaluated: 2020-04-04. Review status: criteria provided, single submitter. Criteria: ARUP Molecular Germline Variant Investigation Process. Collection method: clinical testing. Allele origin: germline.

GeneDx
Classification: Likely benign. Last evaluated: 2018-01-30. Review status: criteria provided, single submitter. Criteria: GeneDx Variant Classification (06012015). Collection method: clinical testing. Allele origin: germline. Affected: yes.
Comment: This variant is considered likely benign or benign based on one or more of the following criteria: it is a conservative change, it occurs at a poorly conserved position in the protein, it is predicted to be benign by multiple in silico algorithms, and/or has population frequency not consistent with disease.

Ambry Genetics
Classification: Benign for Familial thoracic aortic aneurysm and aortic dissection. Last evaluated: 2016-04-01. Review status: criteria provided, single submitter. Criteria: Ambry Variant Classification Scheme 2023. Collection method: clinical testing. Allele origin: germline.

Breakthrough Genomics
Classification: Likely benign. Review status: criteria provided, single submitter. Criteria: ACMG Guidelines, 2015. Collection method: not provided. Allele origin: germline. Inheritance: Autosomal dominant inheritance. Affected: yes.

NM_003036.4(SKI):c.2184G>C (p.Pro728=)

Gene: SKI (SKI proto-oncogene; plus strand). Cytogenetic location: 1p36.32.
Variant type: single nucleotide variant.
Coding change: c.2184G>C on transcript NM_003036.4 (MANE Select); coding-DNA position 2184, G replaced by C.
Protein change: p.Pro728=; no amino-acid change (proline 728 retained).
Molecular consequence: synonymous variant.
Genome position (GRCh38, 1-based): chr1:2,306,762, G>C. VCF-style: chr1-2306762-G-C. GRCh37 (hg19) VCF-style: chr1-2238201-G-C.
Identifiers: ClinVar variation 386048 (VCV000386048.32), dbSNP rs543584871, ClinGen allele CA536856.